The following is an entry in ClinVar:

ClinVar aggregate classification (germline): Pathogenic. Review status: criteria provided, multiple submitters, no conflicts (2 of 4 stars). 3 submissions from 3 submitters: Pathogenic (2). 1 of the submissions does not count toward it. Last evaluated 2024-04-29.

Conditions:
Platelet-type bleeding disorder 17 (BDPLT17). Also called: Thrombasthenia-thrombocytopenia, hereditary. Identifiers: Orphanet 721, MedGen C1861194, MONDO:0008553, OMIM 187900.

Submissions (3):

Fulgent Genetics
Classification: Pathogenic for Platelet-type bleeding disorder 17. Last evaluated: 2024-04-29. Review status: criteria provided, single submitter. Criteria: ACMG Guidelines, 2015. Collection method: clinical testing. Allele origin: germline.

ISTH-SSC Genomics in Thrombosis and Hemostasis, KU Leuven, Center for Molecular and Vascular Biology
Classification: Pathogenic for Platelet-type bleeding disorder 17. Review status: criteria provided, single submitter. Criteria: ACMG Guidelines, 2015. Collection method: clinical testing. Allele origin: germline. Affected: yes. Observed: 1 heterozygote.
Comment: Submitted to GoldVariant by Jose María Bastida and José Rivera; Grupo Español de Alteraciones Plaquetarias Congénitas (GEAPC)

OMIM
Classification: Pathogenic for BLEEDING DISORDER, PLATELET-TYPE, 17. Last evaluated: 2014-01-16. Review status: no assertion criteria provided. Collection method: literature only. Allele origin: germline. Not counted in ClinVar's aggregate classification.

Literature cited by the submitters: PubMed 5681484 (cited by ISTH-SSC Genomics in Thrombosis and Hemostasis, KU Leuven, Center for Molecular and Vascular Biology and OMIM); Monteferrario, D., Bolar, N. A., Marneth, A. E., Hebeda, K. M., Bergevoet, S. M., Veenstra, H., Laros-van Gorkom, B. A. P., MacKenzie, M. A., Khandanpour, C., Botezatu, L., Fransen, E., Van Camp, G., and 11 others A dominant-negative GFI1B mutation in the gray platelet syndrome. New Eng. J. Med. 370: 245-253, 2014. Note: Erratum: New Eng. J. Med. 373: 782 only, 2015. (cited by OMIM).

NM_001377304.1(GFI1B):c.859C>T (p.Gln287Ter)

Gene: GFI1B (growth factor independent 1B transcriptional repressor; plus strand). Cytogenetic location: 9q34.13.
Variant type: single nucleotide variant.
Coding change: c.859C>T on transcript NM_001377304.1 (MANE Select); coding-DNA position 859, C replaced by T.
Protein change: p.Gln287Ter; replaces glutamine 287 with a stop codon.
Molecular consequence: nonsense.
Genome position (GRCh38, 1-based): chr9:132,990,916, C>T. VCF-style: chr9-132990916-C-T. GRCh37 (hg19) VCF-style: chr9-135866303-C-T.
Other names: c.721C>T, p.Gln241Ter (NM_001135031.2, NM_001377305.1); c.925C>T, p.Gln309Ter (NM_001371908.1); c.859C>T, p.Gln287Ter (NM_004188.8); c.859C>T (NM_004188.7); short protein forms Q287*, Q241*, Q309*.
Identifiers: ClinVar variation 102428 (VCV000102428.5), dbSNP rs587777211, ClinGen allele CA150742.